The following is an entry in ClinVar:

NM_001318510.2(ACSL4):c.1509T>C (p.Asp503=)

Gene: ACSL4 (acyl-CoA synthetase long chain family member 4; minus strand). Cytogenetic location: Xq23.
Variant type: single nucleotide variant.
Coding change: c.1509T>C on transcript NM_001318510.2 (MANE Select); coding-DNA position 1509, T replaced by C.
Protein change: p.Asp503=; no amino-acid change (aspartic acid 503 retained).
Molecular consequence: synonymous variant.
Genome position (GRCh38, 1-based): chrX:109,663,284, A>G on the plus strand (T>C on the coding strand, the complement: ACSL4 is on the minus strand). VCF-style: chrX-109663284-A-G. GRCh37 (hg19) VCF-style: chrX-108906513-A-G.
Other names: c.1632T>C, p.Asp544= (NM_001318509.2, NM_022977.3); c.1509T>C, p.Asp503= (NM_004458.3).
Identifiers: ClinVar variation 589504 (VCV000589504.11), dbSNP rs772803365, ClinGen allele CA10491000.

ClinVar aggregate classification (germline): Likely benign. Review status: criteria provided, multiple submitters, no conflicts (2 of 4 stars). 2 submissions from 2 submitters: Likely benign (2). Last evaluated 2025-10-01.

Conditions:
Inborn genetic diseases. Identifiers: MedGen C0950123, MeSH D030342.

Allele frequency attached by ClinVar (database versions not stated): gnomAD 0.00001 and 0.00002; gnomAD exomes 0.00002 and 0.00012; TOPMed 0.00009; ExAC 0.00010.
gnomAD v4.1: 22 of 1,207,761 alleles (0.0018%); highest among the groups gnomAD compares: Admixed American, 0.048%; no homozygotes.

Submissions (2):

CeGaT Center for Human Genetics Tuebingen
Classification: Likely benign. Last evaluated: 2025-10-01. Review status: criteria provided, single submitter. Criteria: CeGaT Center For Human Genetics Tuebingen Variant Classification Criteria Version 2. Collection method: clinical testing. Allele origin: germline. Affected: yes. Observed: 1 variant allele.
Comment: ACSL4: BP4, BP7, BS2

Ambry Genetics
Classification: Likely benign for Inborn genetic diseases. Last evaluated: 2017-01-13. Review status: criteria provided, single submitter. Criteria: Ambry Variant Classification Scheme 2023. Collection method: clinical testing. Allele origin: germline.